The following is an entry in ClinVar:

ClinVar aggregate classification (germline): Uncertain significance (1 of 4 stars; one submission).

Submission:

Women's Health and Genetics/Laboratory Corporation of America, LabCorp
Classification: Uncertain significance. Last evaluated: 2025-02-20. Review status: criteria provided, single submitter. Criteria: LabCorp Variant Classification Summary - May 2015. Collection method: clinical testing. Allele origin: germline.
Comment: Variant summary: CLCN2 c.1966C>G (p.Gln656Glu) results in a conservative amino acid change located in the CBS domain of the encoded protein sequence. Four of five in-silico tools predict a benign effect of the variant on protein function. The variant was absent in 251190 control chromosomes. The available data on variant occurrences in the general population are insufficient to allow any conclusion about variant significance. To our knowledge, no occurrence of c.1966C>G in individuals affected with CLCN2-Related Disorders and no experimental evidence demonstrating its impact on protein function have been reported. No submitters have cited clinical-significance assessments for this variant to ClinVar. Based on the evidence outlined above, the variant was classified as uncertain significance.

NM_004366.6(CLCN2):c.1966C>G (p.Gln656Glu)

Gene: CLCN2 (chloride voltage-gated channel 2; minus strand). Cytogenetic location: 3q27.1.
Variant type: single nucleotide variant.
Coding change: c.1966C>G on transcript NM_004366.6 (MANE Select); coding-DNA position 1966, C replaced by G.
Protein change: p.Gln656Glu; replaces glutamine 656 with glutamic acid.
Molecular consequence: missense variant.
Genome position (GRCh38, 1-based): chr3:184,353,312, G>C on the plus strand (C>G on the coding strand, the complement: CLCN2 is on the minus strand). VCF-style: chr3-184353312-G-C. GRCh37 (hg19) VCF-style: chr3-184071100-G-C.
Other names: c.1915C>G, p.Gln639Glu (NM_001171087.3); c.1834C>G, p.Gln612Glu (NM_001171088.3); c.1966C>G, p.Gln656Glu (NM_001171089.3); short protein forms Q612E, Q639E, Q656E.
Identifiers: ClinVar variation 3768920 (VCV003768920.1).
Genomic context (GRCh38, chr3:184,353,312, plus strand): 5'-GGAAGCAGACAGAAGCCTCAGGGGTAGGGGGACCCTCCTGATCAGATAGTGGAGAGGTCT[G>C]GGTGGCTCTGCGCTCCTGCATGTGCTGCCGCCGGCGGGCTGGGCTCAGCTGGGCCCCCAA-3'
Protein context (NP_004357.3, residues 646-666): RQHMQERRAT[Gln656Glu]TSPLSDQEGP